The following is an entry in ClinVar:

NM_000136.3(FANCC):c.1380C>G (p.Ser460Arg)

Genes: AOPEP (aminopeptidase O (putative); plus strand), FANCC (FA complementation group C; minus strand). Cytogenetic location: 9q22.32.
Variant type: single nucleotide variant.
Coding change: c.1380C>G on transcript NM_000136.3 (MANE Select); coding-DNA position 1380, C replaced by G.
Protein change: p.Ser460Arg; replaces serine 460 with arginine.
Molecular consequence: missense variant.
Genome position (GRCh38, 1-based): chr9:95,107,219, G>C on the plus strand (C>G on the coding strand, the complement: FANCC is on the minus strand). VCF-style: chr9-95107219-G-C. GRCh37 (hg19) VCF-style: chr9-97869501-G-C.
Other names: c.1380C>G, p.Ser460Arg (NM_001243743.2); short protein forms S460R.
Identifiers: ClinVar variation 3277647 (VCV003277647.1).

ClinVar aggregate classification (germline): Uncertain significance (1 of 4 stars; one submission).

Conditions:
Hereditary cancer-predisposing syndrome. Also called: Tumor predisposition; Hereditary Cancer Syndrome; Hereditary neoplastic syndrome; Neoplastic Syndromes, Hereditary. Identifiers: Orphanet 140162, MedGen C0027672, MeSH D009386, MONDO:0015356.

gnomAD v4.1: 1 of 1,614,192 alleles (0.000062%); highest among the groups gnomAD compares: Admixed American, 0.0017%; no homozygotes.

Submission:

Ambry Genetics
Classification: Uncertain significance for Hereditary cancer-predisposing syndrome. Last evaluated: 2024-05-26. Review status: criteria provided, single submitter. Criteria: Ambry Variant Classification Scheme 2023. Collection method: clinical testing. Allele origin: germline.
Comment: The p.S460R variant (also known as c.1380C>G), located in coding exon 13 of the FANCC gene, results from a C to G substitution at nucleotide position 1380. The serine at codon 460 is replaced by arginine, an amino acid with dissimilar properties. This amino acid position is conserved. In addition, this alteration is predicted to be tolerated by in silico analysis. Based on the available evidence, the clinical significance of this variant remains unclear.